The following is an entry in ClinVar:

ClinVar aggregate classification (germline): Uncertain significance (1 of 4 stars; one submission).

gnomAD v4.1: 4 of 1,614,170 alleles (0.00025%); highest among the groups gnomAD compares: South Asian, 0.0022%; no homozygotes.

Submission:

GeneDx
Classification: Uncertain significance. Last evaluated: 2023-04-30. Review status: criteria provided, single submitter. Criteria: GeneDx Variant Classification Process June 2021. Collection method: clinical testing. Allele origin: germline. Affected: yes.
Comment: In silico analysis supports that this missense variant does not alter protein structure/function; Has not been previously published as pathogenic or benign to our knowledge; Variants in candidate genes are classified as variants of uncertain significance in accordance with ACMG guidelines (Richards et al., 2015)

NM_018897.3(DNAH7):c.7144G>T (p.Val2382Leu)

Gene: DNAH7 (dynein axonemal heavy chain 7; minus strand). Cytogenetic location: 2q32.3.
Variant type: single nucleotide variant.
Coding change: c.7144G>T on transcript NM_018897.3 (MANE Select); coding-DNA position 7144, G replaced by T.
Protein change: p.Val2382Leu; replaces valine 2382 with leucine.
Molecular consequence: missense variant.
Genome position (GRCh38, 1-based): chr2:195,864,511, C>A on the plus strand (G>T on the coding strand, the complement: DNAH7 is on the minus strand). VCF-style: chr2-195864511-C-A. GRCh37 (hg19) VCF-style: chr2-196729235-C-A.
Other names: short protein forms V2382L.
Identifiers: ClinVar variation 3343145 (VCV003343145.1).